The following is an entry in ClinVar:

NM_182914.3(SYNE2):c.290C>G (p.Ala97Gly)

Gene: SYNE2 (spectrin repeat containing nuclear envelope protein 2; plus strand). Cytogenetic location: 14q23.2.
Variant type: single nucleotide variant.
Coding change: c.290C>G on transcript NM_182914.3 (MANE Select); coding-DNA position 290, C replaced by G.
Protein change: p.Ala97Gly; replaces alanine 97 with glycine.
Molecular consequence: missense variant.
Genome position (GRCh38, 1-based): chr14:63,941,937, C>G. VCF-style: chr14-63941937-C-G. GRCh37 (hg19) VCF-style: chr14-64408655-C-G.
Other names: c.290C>G, p.Ala97Gly (NM_015180.6); short protein forms A97G.
Identifiers: ClinVar variation 2000547 (VCV002000547.4), dbSNP rs1237928596, ClinGen allele CA389935601.
Genomic context (GRCh38, chr14:63,941,937, plus strand): 5'-TTTCACAGCCTCGGGATAAAGGATCTAATACCTTCCAGTGTAGAATCAATATAGAACATG[C>G]CTTGACATTCCTAAGAAACCGATCAGTAAGTATAAATTTTTCTTAAAAATTCACAGGAGA-3'
Protein context (NP_878918.2, residues 87-107): TFQCRINIEH[Ala97Gly]LTFLRNRSIK

ClinVar aggregate classification (germline): Uncertain significance (1 of 4 stars; one submission).

Conditions:
Emery-Dreifuss muscular dystrophy 5, autosomal dominant (EDMD5). Also called: EMERY-DREIFUSS MUSCULAR DYSTROPHY 5. Identifiers: Orphanet 261, MedGen C2751805, MONDO:0013072, OMIM 612999.

Submission:

Labcorp Genetics (formerly Invitae), Labcorp
Classification: Uncertain significance for Emery-Dreifuss muscular dystrophy 5, autosomal dominant. Last evaluated: 2022-05-29. Review status: criteria provided, single submitter. Criteria: Invitae Variant Classification Sherloc (09022015). Collection method: clinical testing. Allele origin: germline.
Comment: This sequence change replaces alanine, which is neutral and non-polar, with glycine, which is neutral and non-polar, at codon 97 of the SYNE2 protein (p.Ala97Gly). In summary, the available evidence is currently insufficient to determine the role of this variant in disease. Therefore, it has been classified as a Variant of Uncertain Significance. Algorithms developed to predict the effect of missense changes on protein structure and function are either unavailable or do not agree on the potential impact of this missense change (SIFT: "Deleterious"; PolyPhen-2: "Probably Damaging"; Align-GVGD: "Class C0"). This variant has not been reported in the literature in individuals affected with SYNE2-related conditions. This variant is not present in population databases (gnomAD no frequency).